The following is an entry in ClinVar:

ClinVar aggregate classification (germline): Uncertain significance (1 of 4 stars; one submission).

Submission:

Labcorp Genetics (formerly Invitae), Labcorp
Classification: Uncertain significance. Last evaluated: 2024-03-14. Review status: criteria provided, single submitter. Criteria: Invitae Variant Classification Sherloc (09022015). Collection method: clinical testing. Allele origin: germline.
Comment: This variant, c.610_615del, results in the deletion of 2 amino acid(s) of the HOXA13 protein (p.Ala204_Ala205del), but otherwise preserves the integrity of the reading frame. This variant is present in population databases (rs752587243, gnomAD 0.01%). This variant has not been reported in the literature in individuals affected with HOXA13-related conditions. Experimental studies and prediction algorithms are not available or were not evaluated, and the functional significance of this variant is currently unknown. In summary, the available evidence is currently insufficient to determine the role of this variant in disease. Therefore, it has been classified as a Variant of Uncertain Significance.

NM_000522.5(HOXA13):c.598GCC[4] (p.Ala204_Ala205del)

Genes: HOXA13 (homeobox A13; minus strand), LOC107126288 (NUP98-HOXA13 recombination region; plus strand). Cytogenetic location: 7p15.2.
Variant type: Microsatellite.
Coding change: c.598GCC[4] on transcript NM_000522.5 (MANE Select); four copies in a row of the 3-base unit GCC starting at c.598; the reference has six copies in a row; two copies, 6 bases deleted.
Protein change: p.Ala204_Ala205del.
Molecular consequence: inframe deletion.
Genome position (GRCh38, 1-based): chr7:27,199,463-27,199,468, GGCGGC deleted on the plus strand (GCCGCC on the coding strand, the reverse complement: HOXA13 is on the minus strand); deleting any 6 consecutive bases within chr7:27,199,463-27,199,480 gives the same sequence; the position shown is the placement nearest the transcript's 3' end. VCF-style (leftmost placement, unchanged base first): chr7-27199462-AGGCGGC-A. GRCh37 (hg19) VCF-style: chr7-27239081-AGGCGGC-A.
Identifiers: ClinVar variation 1352406 (VCV001352406.6), dbSNP rs750672289, ClinGen allele CA4198657.